The following is an entry in ClinVar:

ClinVar aggregate classification (germline): Benign/Likely benign. Review status: criteria provided, multiple submitters, no conflicts (2 of 4 stars). 12 submissions from 12 submitters: Benign (2); Likely benign (8). 2 of the submissions do not count toward it. Last evaluated 2025-12-11.

Conditions:
MSH6-related disorder. Also called: MSH6-related condition; MSH6-Related disorders.
Hereditary nonpolyposis colorectal neoplasms. Identifiers: MedGen C0009405, MeSH D003123.
Hereditary cancer-predisposing syndrome. Also called: Neoplastic Syndromes, Hereditary; Tumor predisposition; Hereditary neoplastic syndrome; Hereditary Cancer Syndrome. Identifiers: Orphanet 140162, MedGen C0027672, MeSH D009386, MONDO:0015356.
Lynch syndrome. Identifiers: Orphanet 144, MedGen C4552100, MONDO:0005835. Disease mechanism: loss of function.
Lynch syndrome 5 (LYNCH5). Also called: Colorectal cancer, hereditary nonpolyposis, type 5; Hereditary non-polyposis colorectal cancer, type 5. Identifiers: Orphanet 144, MedGen C1833477, MONDO:0013710, OMIM 614350. Disease mechanism: loss of function.

Allele frequency attached by ClinVar (database versions not stated): gnomAD 0.00001; gnomAD exomes 0.00001 and 0.00003; ExAC 0.00002; TOPMed 0.00002.
gnomAD v4.1: 15 of 1,614,062 alleles (0.00093%); highest among the groups gnomAD compares: Admixed American, 0.0083%; no homozygotes.

Submissions (12):

PreventionGenetics, part of Exact Sciences
Classification: Likely benign for MSH6-related condition. Last evaluated: 2025-12-11. Review status: criteria provided, single submitter. Criteria: ACMG Guidelines, 2015. Collection method: clinical testing. Allele origin: germline.
Comment: This variant is classified as likely benign based on ACMG/AMP sequence variant interpretation guidelines (Richards et al. 2015 PMID: 25741868, with internal and published modifications).

Labcorp Genetics (formerly Invitae), Labcorp
Classification: Likely benign for Hereditary nonpolyposis colorectal neoplasms. Last evaluated: 2025-11-17. Review status: criteria provided, single submitter. Criteria: Invitae Variant Classification Sherloc (09022015). Collection method: clinical testing. Allele origin: germline.

Ambry Genetics
Classification: Likely benign for Hereditary cancer-predisposing syndrome. Last evaluated: 2025-08-01. Review status: criteria provided, single submitter. Criteria: Ambry Variant Classification Scheme 2023. Collection method: clinical testing. Allele origin: germline.

Molecular Diagnostics Laboratory, Catalan Institute of Oncology
Classification: Likely benign for Hereditary cancer-predisposing syndrome. Last evaluated: 2025-05-07. Review status: criteria provided, single submitter. Criteria: ClinGen CRC ACMG Specifications MSH6 V1.0.0. Collection method: clinical testing. Allele origin: germline.
Comment: BP4, BP7 c.3198T>C, located in exon 5 of the MSH6 gene, is predicted to result in no splicing alteration (according to SpliceAI) and no amino acid change, p.(Tyr1066=) (BP4, BP7). This variant is found in 15/1614062 alleles at a frequency of 0,0009%, and has a filtering allele frequency of 0,003% in admixed Americans in the population database gnomAD v4.1.0. To our knowledge, neither relevant clinical data nor well-established functional studies have been reported for this variant. This variant has been reported in the ClinVar database (3x benign, 6x likely benign, 1x uncertain significance), it has not been reported in LOVD and it has not been classified by InSiGHT. Based on currently available information, the variant c.3198T>C should be considered a likely benign variant according to ClinGen CRC ACMG Specifications MSH6 v1.0.0.

All of Us Research Program, National Institutes of Health
Classification: Likely benign for Lynch syndrome. Last evaluated: 2024-05-30. Review status: criteria provided, single submitter. Criteria: ACMG Guidelines, 2015. Collection method: clinical testing. Allele origin: germline. Inheritance: Autosomal dominant inheritance. Observed: 3 variant alleles, 3 heterozygotes.
Comment: This study involves interpretation of variants in research participants for the purpose of population health screening. Participant phenotype was not available at the time of variant classification. Additional details can be found in publication PMID: 35346344, PMCID: PMC8962531

Quest Diagnostics Nichols Institute San Juan Capistrano
Classification: Likely benign. Last evaluated: 2023-04-11. Review status: criteria provided, single submitter. Criteria: Quest Diagnostics criteria. Collection method: clinical testing. Allele origin: unknown.

Myriad Genetics, Inc.
Classification: Benign for Lynch syndrome 5. Last evaluated: 2023-03-28. Review status: criteria provided, single submitter. Criteria: Myriad Autosomal Dominant, Autosomal Recessive and X-Linked Classification Criteria (2023). Collection method: clinical testing. Allele origin: unknown.
Comment: This variant is considered benign. This variant is a silent/synonymous amino acid change and it is not expected to impact splicing.

Women's Health and Genetics/Laboratory Corporation of America, LabCorp
Classification: Likely benign. Last evaluated: 2021-07-03. Review status: criteria provided, single submitter. Criteria: LabCorp Variant Classification Summary - May 2015. Collection method: clinical testing. Allele origin: germline.

Color Diagnostics, LLC DBA Color Health
Classification: Likely benign for Hereditary cancer-predisposing syndrome. Last evaluated: 2017-03-03. Review status: criteria provided, single submitter. Criteria: ACMG Guidelines, 2015. Collection method: clinical testing. Allele origin: germline.

GeneDx
Classification: Benign. Last evaluated: 2015-03-03. Review status: criteria provided, single submitter. Criteria: GeneDx Variant Classification Process June 2021. Collection method: clinical testing. Allele origin: germline. Affected: yes.

Counsyl
Classification: Likely benign for Lynch syndrome 5. Last evaluated: 2016-09-29. Review status: no assertion criteria provided. Collection method: clinical testing. Allele origin: unknown. Not counted in ClinVar's aggregate classification.

Department of Pathology and Laboratory Medicine, Sinai Health System
Classification: Uncertain significance. Review status: no assertion criteria provided. Collection method: clinical testing. Allele origin: unknown. Affected: yes. Observed: 1 variant allele. Study: The Canadian Open Genetics Repository (COGR). Not counted in ClinVar's aggregate classification.

NM_000179.3(MSH6):c.3198T>C (p.Tyr1066=)

Gene: MSH6 (mutS homolog 6; plus strand). Cytogenetic location: 2p16.3.
Variant type: single nucleotide variant.
Coding change: c.3198T>C on transcript NM_000179.3 (MANE Select); coding-DNA position 3198, T replaced by C.
Protein change: p.Tyr1066=; no amino-acid change (tyrosine 1066 retained).
Molecular consequence: synonymous variant.
Genome position (GRCh38, 1-based): chr2:47,803,445, T>C. VCF-style: chr2-47803445-T-C. GRCh37 (hg19) VCF-style: chr2-48030584-T-C.
Other names: c.2808T>C, p.Tyr936= (NM_001281492.2); c.2292T>C, p.Tyr764= (NM_001281493.2, NM_001281494.2).
Identifiers: ClinVar variation 186046 (VCV000186046.30), dbSNP rs199643502, ClinGen allele CA011878.